The following is an entry in ClinVar:

ClinVar aggregate classification (germline): Likely benign (1 of 4 stars; one submission).

Submission:

CeGaT Center for Human Genetics Tuebingen
Classification: Likely benign. Last evaluated: 2026-08-01. Review status: criteria provided, single submitter. Criteria: CeGaT Center For Human Genetics Tuebingen Variant Classification Criteria Version 2. Collection method: clinical testing. Allele origin: germline. Affected: yes. Observed: 2 variant alleles.
Comment: TMEM138: PM2:Supporting, BP4, BP7

NM_016464.5(TMEM138):c.377-227C>T

Gene: TMEM138 (transmembrane protein 138; plus strand). Cytogenetic location: 11q12.2.
Variant type: single nucleotide variant.
Coding change: c.377-227C>T on transcript NM_016464.5 (MANE Select); 227 bases into the intron before coding-DNA position 377, C replaced by T.
Molecular consequence: intron variant. On other transcripts: 3 prime UTR variant (1).
Genome position (GRCh38, 1-based): chr11:61,368,370, C>T. VCF-style: chr11-61368370-C-T. GRCh37 (hg19) VCF-style: chr11-61135842-C-T.
Other names: c.*214C>T (NM_001410999.1); c.376+372C>T (NM_001441181.1, NM_001410998.1, NM_001410997.1); c.300+2154C>T (NM_001441182.1); c.377-230C>T (NM_001441180.1); c.203-227C>T (NM_001330281.2).
Identifiers: ClinVar variation 5039677 (VCV005039677.1).